The following is an entry in ClinVar:

NM_001048174.2(MUTYH):c.357C>A (p.Asn119Lys)

Gene: MUTYH (mutY DNA glycosylase; minus strand). Cytogenetic location: 1p34.1.
Variant type: single nucleotide variant.
Coding change: c.357C>A on transcript NM_001048174.2 (MANE Select); coding-DNA position 357, C replaced by A.
Protein change: p.Asn119Lys; replaces asparagine 119 with lysine.
Molecular consequence: missense variant. On other transcripts: non-coding transcript variant (6), intron variant (3).
Genome position (GRCh38, 1-based): chr1:45,333,118, G>T on the plus strand (C>A on the coding strand, the complement: MUTYH is on the minus strand). VCF-style: chr1-45333118-G-T. GRCh37 (hg19) VCF-style: chr1-45798790-G-T.
Other names: c.357C>A, p.Asn119Lys (NM_001048171.2, NM_001048173.2, NM_001293195.2 and 6 more transcripts); c.360C>A, p.Asn120Lys (NM_001048172.2, NM_001407071.1, NM_001407078.1 and 2 more transcripts); c.441C>A, p.Asn147Lys (NM_001128425.2); c.402C>A, p.Asn134Lys (NM_001293190.2); c.390C>A, p.Asn130Lys (NM_001293191.2, NM_001407077.1); c.81C>A, p.Asn27Lys (NM_001293192.2, NM_001293196.2, NM_001407091.1); c.432C>A, p.Asn144Lys (NM_001407069.1, NM_012222.3); c.399C>A, p.Asn133Lys (NM_001407073.1, NM_001407083.1, NM_001407085.1); and 3 more; short protein forms N27K, N119K, N130K, N147K, N133K, N134K, N91K, N120K.
Identifiers: ClinVar variation 4113662 (VCV004113662.1).
Genomic context (GRCh38, chr1:45,333,118, plus strand): 5'-GTCTGACCCATGACCCTTCCCTTCCTCCCCTGGAGTCACCTGCATCCATCCGGTATAGTA[G>T]TTGATCACAGTGGCAACCTGGGTCTGCTGCAGCATGACCTCTGAGACCCACACTGGGGGA-3'
Protein context (NP_001041639.1, residues 109-129): LQQTQVATVI[Asn119Lys]YYTGWMQKWP

ClinVar aggregate classification (germline): Uncertain significance (1 of 4 stars; one submission).

Conditions:
Hereditary cancer-predisposing syndrome. Also called: Hereditary neoplastic syndrome; Neoplastic Syndromes, Hereditary; Tumor predisposition; Hereditary Cancer Syndrome. Identifiers: Orphanet 140162, MedGen C0027672, MeSH D009386, MONDO:0015356.

Submission:

Ambry Genetics
Classification: Uncertain significance for Hereditary cancer-predisposing syndrome. Last evaluated: 2025-08-27. Review status: criteria provided, single submitter. Criteria: Ambry Variant Classification Scheme 2023. Collection method: clinical testing. Allele origin: germline.
Comment: The p.N147K variant (also known as c.441C>A), located in coding exon 5 of the MUTYH gene, results from a C to A substitution at nucleotide position 441. The asparagine at codon 147 is replaced by lysine, an amino acid with similar properties. This amino acid position is conserved. In addition, this alteration is predicted to be tolerated by in silico analysis. Based on the available evidence, the clinical significance of this variant remains unclear.